The following is an entry in ClinVar:

NM_000070.3(CAPN3):c.1983dup (p.Ala662fs)

Gene: CAPN3 (calpain 3; plus strand). Cytogenetic location: 15q15.1.
Variant type: Duplication.
Coding change: c.1983dup on transcript NM_000070.3 (MANE Select); coding-DNA position 1983, one base duplicated (A; older notation c.1983dupA).
Protein change: p.Ala662fs; shifts the reading frame from alanine 662.
Molecular consequence: frameshift variant. On other transcripts: 5 prime UTR variant (2).
Genome position (GRCh38, 1-based): chr15:42,409,371, A duplicated. VCF-style (leftmost placement, unchanged base first): chr15-42409370-T-TA. GRCh37 (hg19) VCF-style: chr15-42701568-T-TA.
Other names: c.1965dup, p.Ala656fs (NM_024344.2); c.1707dup, p.Ala570fs (NM_173087.2); c.447dup, p.Ala150fs (NM_173088.2); c.-13dup (NM_173089.2, NM_173090.2); c.*1081dup (NM_212464.2); c.*1658dup (NM_212467.2); short protein forms A150fs, A570fs, A662fs, A656fs.
Identifiers: ClinVar variation 2016464 (VCV002016464.4), dbSNP rs1445724752, ClinGen allele CA617608802.

ClinVar aggregate classification (germline): Pathogenic (1 of 4 stars; one submission).

Conditions:
Autosomal recessive limb-girdle muscular dystrophy type 2A (LGMDR1). Also called: Muscular dystrophy, limb-girdle, type 2A, Amish; LEYDEN-MOEBIUS MUSCULAR DYSTROPHY; MUSCULAR DYSTROPHY, PELVOFEMORAL; Limb-girdle muscular dystrophy, type 2A; Calpainopathy. Identifiers: Orphanet 267, MedGen C1869123, MONDO:0009675, OMIM 253600. Disease mechanism: loss of function.

Allele frequency attached by ClinVar (database versions not stated): gnomAD exomes below 0.00001.

Submission:

Labcorp Genetics (formerly Invitae), Labcorp
Classification: Pathogenic for Autosomal recessive limb-girdle muscular dystrophy type 2A. Last evaluated: 2023-11-05. Review status: criteria provided, single submitter. Criteria: Invitae Variant Classification Sherloc (09022015). Collection method: clinical testing. Allele origin: germline.
Comment: This sequence change creates a premature translational stop signal (p.Ala662Serfs*4) in the CAPN3 gene. It is expected to result in an absent or disrupted protein product. Loss-of-function variants in CAPN3 are known to be pathogenic (PMID: 10330340, 15689361). This variant is present in population databases (no rsID available, gnomAD 0.003%). This variant has not been reported in the literature in individuals affected with CAPN3-related conditions. ClinVar contains an entry for this variant (Variation ID: 2016464). For these reasons, this variant has been classified as Pathogenic.

Literature cited by the submitters: PubMed 10330340; PubMed 15689361.